The following is an entry in ClinVar:

NM_000368.5(TSC1):c.553T>G (p.Tyr185Asp)

Gene: TSC1 (TSC complex subunit 1; minus strand). Cytogenetic location: 9q34.13.
Variant type: single nucleotide variant.
Coding change: c.553T>G on transcript NM_000368.5 (MANE Select); coding-DNA position 553, T replaced by G.
Protein change: p.Tyr185Asp; replaces tyrosine 185 with aspartic acid.
Molecular consequence: missense variant. On other transcripts: 5 prime UTR variant (5), non-coding transcript variant (5).
Genome position (GRCh38, 1-based): chr9:132,921,929, A>C on the plus strand (T>G on the coding strand, the complement: TSC1 is on the minus strand). VCF-style: chr9-132921929-A-C. GRCh37 (hg19) VCF-style: chr9-135797316-A-C.
Other names: c.553T>G, p.Tyr185Asp (NM_001162426.2, NM_001406592.1, NM_001406593.1 and 16 more transcripts); c.400T>G, p.Tyr134Asp (NM_001162427.2, NM_001406610.1, NM_001406611.1 and 2 more transcripts); c.190T>G, p.Tyr64Asp (NM_001362177.2, NM_001406621.1, NM_001406622.1 and 10 more transcripts); c.-325T>G (NM_001406626.1, NM_001406627.1, NM_001406628.1); c.-467T>G (NM_001406629.1); c.-541T>G (NM_001406630.1); short protein forms Y134D, Y185D, Y64D.
Identifiers: ClinVar variation 3070147 (VCV003070147.1), dbSNP rs2132158758, ClinGen allele CA375372755.
Genomic context (GRCh38, chr9:132,921,929, plus strand): 5'-AACGCAAAAAGGAGACGAAGTTGCAAGGGTACATTCCATAAAGGCGATGAAAGAGTGCGT[A>C]CACACTGGCATGGAGATGGACGAGATAGACTTCCGCCACGTGGCCTAGAAAAGGAACCCG-3'
Protein context (NP_000359.1, residues 175-195): VYLVHLHASV[Tyr185Asp]ALFHRLYGMY

ClinVar aggregate classification (germline): Uncertain significance (1 of 4 stars; one submission).

Conditions:
Tuberous sclerosis syndrome (TSC). Also called: Tuberous sclerosis; Tuberous Sclerosis Complex. Identifiers: Orphanet 805, MedGen C0041341, MONDO:0001734.

Submission:

All of Us Research Program, National Institutes of Health
Classification: Uncertain significance for Tuberous sclerosis syndrome. Last evaluated: 2023-04-03. Review status: criteria provided, single submitter. Criteria: ACMG Guidelines, 2015. Collection method: clinical testing. Allele origin: germline. Inheritance: Autosomal dominant inheritance. Observed: 1 variant allele, 1 heterozygote.
Comment: This missense variant replaces tyrosine with aspartic acid at codon 185 of the TSC1 protein. Computational prediction suggests that this variant may have deleterious impact on protein structure and function (internally defined REVEL score threshold >= 0.7, PMID: 27666373). To our knowledge, functional studies have not been reported for this variant. This variant has not been reported in individuals affected with TSC1-related disorders in the literature. This variant has not been identified in the general population by the Genome Aggregation Database (gnomAD). The available evidence is insufficient to determine the role of this variant in disease conclusively. Therefore, this variant is classified as a Variant of Uncertain Significance.

This study involves interpretation of variants in research participants for the purpose of population health screening. Participant phenotype was not available at the time of variant classification. Additional details can be found in publication PMID: 35346344, PMCID: PMC8962531